The following is an entry in ClinVar:

ClinVar aggregate classification (germline): Uncertain significance (1 of 4 stars; one submission).

Allele frequency attached by ClinVar (database versions not stated): ExAC 0.00007; TOPMed 0.00001; gnomAD 0.00001; 1000 Genomes Project 30x 0.00016; 1000 Genomes Project 0.00020.
gnomAD v4.1: 32 of 1,573,624 alleles (0.002%); highest among the groups gnomAD compares: South Asian, 0.029%; 1 homozygote.

Submission:

Labcorp Genetics (formerly Invitae), Labcorp
Classification: Uncertain significance. Last evaluated: 2025-09-06. Review status: criteria provided, single submitter. Criteria: Invitae Variant Classification Sherloc (09022015). Collection method: clinical testing. Allele origin: germline.
Comment: This sequence change replaces lysine, which is basic and polar, with arginine, which is basic and polar, at codon 14 of the TCF3 protein (p.Lys14Arg). This variant is present in population databases (rs531415033, gnomAD 0.02%). This variant has not been reported in the literature in individuals affected with TCF3-related conditions. ClinVar contains an entry for this variant (Variation ID: 2960677). Invitae Evidence Modeling of protein sequence and biophysical properties (such as structural, functional, and spatial information, amino acid conservation, physicochemical variation, residue mobility, and thermodynamic stability) indicates that this missense variant is expected to disrupt TCF3 protein function with a positive predictive value of 80%. In summary, the available evidence is currently insufficient to determine the role of this variant in disease. Therefore, it has been classified as a Variant of Uncertain Significance.

NM_003200.5(TCF3):c.41A>G (p.Lys14Arg)

Gene: TCF3 (transcription factor 3; minus strand). Cytogenetic location: 19p13.3.
Variant type: single nucleotide variant.
Coding change: c.41A>G on transcript NM_003200.5 (MANE Select); coding-DNA position 41, A replaced by G.
Protein change: p.Lys14Arg; replaces lysine 14 with arginine.
Molecular consequence: missense variant.
Genome position (GRCh38, 1-based): chr19:1,650,208, T>C on the plus strand (A>G on the coding strand, the complement: TCF3 is on the minus strand). VCF-style: chr19-1650208-T-C. GRCh37 (hg19) VCF-style: chr19-1650207-T-C.
Other names: c.41A>G, p.Lys14Arg (NM_001136139.4, NM_001351778.2, NM_001351779.2); short protein forms K14R.
Identifiers: ClinVar variation 2960677 (VCV002960677.3), dbSNP rs531415033, ClinGen allele CA9050610.